The following is an entry in ClinVar:

ClinVar aggregate classification (germline): Uncertain significance (1 of 4 stars; one submission).

Conditions:
Fetal akinesia deformation sequence 1 (FADS1). Also called: Pena-Shokeir syndrome type I; Fetal akinesia sequence. Identifiers: Orphanet 994, MedGen C1276035, MONDO:0100101, OMIM 208150, HP:0001989.
Congenital myasthenic syndrome 9. Also called: Myasthenic syndrome, congenital, 9, associated with acetylcholine receptor deficiency. Identifiers: Orphanet 590, MedGen C4225368, MONDO:0014587, OMIM 616325.

Allele frequency attached by ClinVar (database versions not stated): ExAC 0.00001.
gnomAD v4.1: 1 of 1,613,612 alleles (0.000062%); highest among the groups gnomAD compares: Non-Finnish European, 0.000085%; no homozygotes.

Submission:

Labcorp Genetics (formerly Invitae), Labcorp
Classification: Uncertain significance for Congenital myasthenic syndrome 9; Fetal akinesia deformation sequence 1. Last evaluated: 2023-09-18. Review status: criteria provided, single submitter. Criteria: Invitae Variant Classification Sherloc (09022015). Collection method: clinical testing. Allele origin: germline.
Comment: This sequence change replaces serine, which is neutral and polar, with cysteine, which is neutral and slightly polar, at codon 260 of the MUSK protein (p.Ser260Cys). This variant is present in population databases (rs752588646, gnomAD 0.0009%). This variant has not been reported in the literature in individuals affected with MUSK-related conditions. Advanced modeling of protein sequence and biophysical properties (such as structural, functional, and spatial information, amino acid conservation, physicochemical variation, residue mobility, and thermodynamic stability) performed at Invitae indicates that this missense variant is not expected to disrupt MUSK protein function. In summary, the available evidence is currently insufficient to determine the role of this variant in disease. Therefore, it has been classified as a Variant of Uncertain Significance.

NM_005592.4(MUSK):c.778A>T (p.Ser260Cys)

Gene: MUSK (muscle associated receptor tyrosine kinase; plus strand). Cytogenetic location: 9q31.3.
Variant type: single nucleotide variant.
Coding change: c.778A>T on transcript NM_005592.4 (MANE Select); coding-DNA position 778, A replaced by T.
Protein change: p.Ser260Cys; replaces serine 260 with cysteine.
Molecular consequence: missense variant. On other transcripts: 5 prime UTR variant (1).
Genome position (GRCh38, 1-based): chr9:110,747,665, A>T. VCF-style: chr9-110747665-A-T. GRCh37 (hg19) VCF-style: chr9-113509945-A-T.
Other names: c.808A>T, p.Ser270Cys (NM_001166280.2); c.778A>T, p.Ser260Cys (NM_001166281.2); c.-459A>T (NM_001369398.1); short protein forms S270C, S260C.
Identifiers: ClinVar variation 2925057 (VCV002925057.3), dbSNP rs752588646, ClinGen allele CA5184183.